The following is an entry in ClinVar:

NM_000138.5(FBN1):c.5559T>G (p.Cys1853Trp)

Gene: FBN1 (fibrillin 1; minus strand). Cytogenetic location: 15q21.1.
Variant type: single nucleotide variant.
Coding change: c.5559T>G on transcript NM_000138.5 (MANE Select); coding-DNA position 5559, T replaced by G.
Protein change: p.Cys1853Trp; replaces cysteine 1853 with tryptophan.
Molecular consequence: missense variant.
Genome position (GRCh38, 1-based): chr15:48,448,880, A>C on the plus strand (T>G on the coding strand, the complement: FBN1 is on the minus strand). VCF-style: chr15-48448880-A-C. GRCh37 (hg19) VCF-style: chr15-48741077-A-C.
Other names: c.5559T>G, p.Cys1853Trp (NM_001406716.1); short protein forms C1853W.
Identifiers: ClinVar variation 2152235 (VCV002152235.4), dbSNP rs2505463592, ClinGen allele CA392342519.

ClinVar aggregate classification (germline): Pathogenic (1 of 4 stars; one submission).

Conditions:
Familial thoracic aortic aneurysm and aortic dissection (TAAD). Also called: Thoracic aortic aneurysms and dissections. Identifiers: Orphanet 91387, MedGen C4707243, MONDO:0019625.
Marfan syndrome (MFS). Also called: MARFAN SYNDROME, TYPE I; Marfan syndrome type 1; Marfan's syndrome; Marfan syndrome, classic; FBN1-Related Marfan Syndrome. Identifiers: Orphanet 284963, Orphanet 558, MedGen C0024796, MONDO:0007947, OMIM 154700.

Submission:

Labcorp Genetics (formerly Invitae), Labcorp
Classification: Pathogenic for Marfan syndrome; Familial thoracic aortic aneurysm and aortic dissection. Last evaluated: 2022-09-10. Review status: criteria provided, single submitter. Criteria: Invitae Variant Classification Sherloc (09022015). Collection method: clinical testing. Allele origin: germline.
Comment: This sequence change replaces cysteine, which is neutral and slightly polar, with tryptophan, which is neutral and slightly polar, at codon 1853 of the FBN1 protein (p.Cys1853Trp). This variant is not present in population databases (gnomAD no frequency). This missense change has been observed in individual(s) with clinical features of FBN1-related conditions (PMID: 29848614; Invitae). Advanced modeling of protein sequence and biophysical properties (such as structural, functional, and spatial information, amino acid conservation, physicochemical variation, residue mobility, and thermodynamic stability) performed at Invitae indicates that this missense variant is expected to disrupt FBN1 protein function. This variant affects a cysteine residue in the EGF-like, TGFBP or hybrid motif domains of FBN1. Cysteine residues are believed to be involved in intramolecular disulfide bridges and have been shown to be important for FBN1 protein structure (PMID: 16905551, 19349279). In addition, missense substitutions affecting cysteine residues within these domains are significantly overrepresented among patients with Marfan syndrome (PMID: 16571647, 17701892). This variant disrupts the p.Cys1853 amino acid residue in FBN1. Other variant(s) that disrupt this residue have been observed in individuals with FBN1-related conditions (PMID: 25644172; Invitae), which suggests that this may be a clinically significant amino acid residue. For these reasons, this variant has been classified as Pathogenic.

Literature cited by the submitters: PubMed 29848614; PubMed 16905551; PubMed 19349279; PubMed 16571647; PubMed 17701892; PubMed 25644172.